The following is an entry in ClinVar:

ClinVar aggregate classification (germline): Uncertain significance (1 of 4 stars; one submission).

Conditions:
Epileptic encephalopathy. Identifiers: MedGen C0543888, HP:0200134.

Allele frequency attached by ClinVar (database versions not stated): TOPMed 0.00002.

Submission:

Labcorp Genetics (formerly Invitae), Labcorp
Classification: Uncertain significance for Epileptic encephalopathy. Last evaluated: 2022-08-31. Review status: criteria provided, single submitter. Criteria: Invitae Variant Classification Sherloc (09022015). Collection method: clinical testing. Allele origin: germline.
Comment: ClinVar contains an entry for this variant (Variation ID: 1441508). Algorithms developed to predict the effect of missense changes on protein structure and function (SIFT, PolyPhen-2, Align-GVGD) all suggest that this variant is likely to be tolerated. In summary, the available evidence is currently insufficient to determine the role of this variant in disease. Therefore, it has been classified as a Variant of Uncertain Significance. This sequence change replaces phenylalanine, which is neutral and non-polar, with leucine, which is neutral and non-polar, at codon 256 of the FASN protein (p.Phe256Leu). This variant is not present in population databases (gnomAD no frequency). This variant has not been reported in the literature in individuals affected with FASN-related conditions.

NM_004104.5(FASN):c.768C>G (p.Phe256Leu)

Gene: FASN (fatty acid synthase; minus strand). Cytogenetic location: 17q25.3.
Variant type: single nucleotide variant.
Coding change: c.768C>G on transcript NM_004104.5 (MANE Select); coding-DNA position 768, C replaced by G.
Protein change: p.Phe256Leu; replaces phenylalanine 256 with leucine.
Molecular consequence: missense variant.
Genome position (GRCh38, 1-based): chr17:82,092,907, G>C on the plus strand (C>G on the coding strand, the complement: FASN is on the minus strand). VCF-style: chr17-82092907-G-C. GRCh37 (hg19) VCF-style: chr17-80050783-G-C.
Other names: short protein forms F256L.
Identifiers: ClinVar variation 1441508 (VCV001441508.8), dbSNP rs960022929, ClinGen allele CA295139132.
Genomic context (GRCh38, chr17:82,092,907, plus strand): 5'-CCCCGGCTCCCACCTGCCCCCCAGCACCCCGGAACCCCGGCAGAGCCCACCTTGCTCCTT[G>C]AAGCCATCTGTATTGGTGCCGGCGTTCAGGATGGTGGCGTACACCCGCCGGGCCAGGGAC-3'
Protein context (NP_004095.4, residues 246-266): ILNAGTNTDG[Phe256Leu]KEQGVTFPSG